The following is an entry in ClinVar:

ClinVar aggregate classification (germline): Uncertain significance (1 of 4 stars; one submission).

Conditions:
Anemia, congenital dyserythropoietic, type 1a (CDAN1A). Also called: CDAN1-Related Congenital Dyserythropoietic Anemia; DYSERYTHROPOIETIC ANEMIA, CONGENITAL, TYPE Ia. Identifiers: MedGen C5574667, MONDO:0009135, OMIM 224120.

Submission:

Juno Genomics, Hangzhou Juno Genomics, Inc
Classification: Uncertain significance for Anemia, congenital dyserythropoietic, type 1a. Review status: criteria provided, single submitter. Criteria: ACMG Guidelines, 2015. Collection method: clinical testing. Allele origin: germline.
Comment: Absent from controls (or at extremely low frequency if recessive) in Genome Aggregation Database.;Multiple lines of computational evidence support a deleterious effect on the gene or gene product.

NM_138477.4(CDAN1):c.1111G>A (p.Val371Met)

Gene: CDAN1 (codanin 1; minus strand). Cytogenetic location: 15q15.2.
Variant type: single nucleotide variant.
Coding change: c.1111G>A on transcript NM_138477.4 (MANE Select); coding-DNA position 1111, G replaced by A.
Protein change: p.Val371Met; replaces valine 371 with methionine.
Molecular consequence: missense variant.
Genome position (GRCh38, 1-based): chr15:42,735,125, C>T on the plus strand (G>A on the coding strand, the complement: CDAN1 is on the minus strand). VCF-style: chr15-42735125-C-T. GRCh37 (hg19) VCF-style: chr15-43027323-C-T.
Other names: short protein forms V371M.
Identifiers: ClinVar variation 5005406 (VCV005005406.2).
Genomic context (GRCh38, chr15:42,735,125, plus strand): 5'-AATGAGGCCCAAATGCCTCAGCCAGGGAAACTCACTGAAAGTGACACTCCAAAACCTGCA[C>T]TGCAAAGAAGACACAATCGTGGATGCTTTGGAACAGTGGACTTTCCAGGGAATCTAGAAG-3'
Protein context (NP_612486.2, residues 361-381): QSIHDCVFFA[Val371Met]QVLECHFQVL